The following is an entry in ClinVar:

NM_023110.3(FGFR1):c.2059G>C (p.Gly687Arg)

Gene: FGFR1 (fibroblast growth factor receptor 1; minus strand). Cytogenetic location: 8p11.23.
Variant type: single nucleotide variant.
Coding change: c.2059G>C on transcript NM_023110.3 (MANE Select); coding-DNA position 2059, G replaced by C.
Protein change: p.Gly687Arg; replaces glycine 687 with arginine.
Molecular consequence: missense variant.
Genome position (GRCh38, 1-based): chr8:38,414,279, C>G on the plus strand (G>C on the coding strand, the complement: FGFR1 is on the minus strand). VCF-style: chr8-38414279-C-G. GRCh37 (hg19) VCF-style: chr8-38271797-C-G.
Other names: c.2053G>C, p.Gly685Arg (NM_001174063.2, NM_001174065.2, NM_001354367.2 and 1 more transcripts); c.2029G>C, p.Gly677Arg (NM_001174064.2); c.1792G>C, p.Gly598Arg (NM_001174066.2, NM_023105.3); c.2152G>C, p.Gly718Arg (NM_001174067.2); c.1780G>C, p.Gly594Arg (NM_001354368.2); c.2047G>C, p.Gly683Arg (NM_001354369.2); c.1786G>C, p.Gly596Arg (NM_001354370.2, NM_023106.3); short protein forms G687R, G683R, G596R, G677R, G594R, G598R, G685R, G718R.
Identifiers: ClinVar variation 435188 (VCV000435188.7), dbSNP rs727505376, ClinGen allele CA370729121.

ClinVar aggregate classification (germline): Pathogenic/Likely pathogenic. Review status: criteria provided, multiple submitters, no conflicts (2 of 4 stars). 2 submissions from 2 submitters: Pathogenic (1); Likely pathogenic (1). Last evaluated 2025-07-22.

Conditions:
Pfeiffer syndrome (ACS5). Also called: ACS V. Identifiers: Orphanet 710, MedGen C0220658, MONDO:0007043, OMIM 101600.
Hypogonadotropic hypogonadism 2 with or without anosmia (HH2). Also called: FGFR1-Related GnRH Deficiency (Kallmann Syndrome 2); HYPOGONADOTROPIC HYPOGONADISM 2 WITHOUT ANOSMIA; HYPOGONADOTROPIC HYPOGONADISM 2 WITH OR WITHOUT ANOSMIA, SUSCEPTIBILITY TO; HYPOGONADOTROPIC HYPOGONADISM 2 WITHOUT ANOSMIA, SUSCEPTIBILITY TO. Identifiers: Orphanet 478, MedGen C1563720, MONDO:0007844, OMIM 147950. Disease mechanism: loss of function.

Submissions (2):

Labcorp Genetics (formerly Invitae), Labcorp
Classification: Pathogenic for Pfeiffer syndrome; Hypogonadotropic hypogonadism 2 with or without anosmia. Last evaluated: 2025-07-22. Review status: criteria provided, single submitter. Criteria: Invitae Variant Classification Sherloc (09022015). Collection method: clinical testing. Allele origin: germline.
Comment: This sequence change replaces glycine, which is neutral and non-polar, with arginine, which is basic and polar, at codon 687 of the FGFR1 protein (p.Gly687Arg). This variant is not present in population databases (gnomAD no frequency). This missense change has been observed in individuals with clinical features of Kallmann syndrome or idiopathic hypogonadotropic hypogonadism (PMID: 15845591, 23643382, 27502037, 30098700). This variant is also known as p.Gly685Arg. ClinVar contains an entry for this variant (Variation ID: 435188). Invitae Evidence Modeling of protein sequence and biophysical properties (such as structural, functional, and spatial information, amino acid conservation, physicochemical variation, residue mobility, and thermodynamic stability) indicates that this missense variant is expected to disrupt FGFR1 protein function with a positive predictive value of 80%. Experimental studies have shown that this missense change affects FGFR1 function (PMID: 32666525). For these reasons, this variant has been classified as Pathogenic.

Genetic Services Laboratory, University of Chicago
Classification: Likely pathogenic for Hypogonadotropic hypogonadism 2 with or without anosmia. Last evaluated: 2017-03-30. Review status: criteria provided, single submitter. Criteria: ACMG Guidelines, 2015. Collection method: clinical testing. Allele origin: germline. Affected: yes.

Literature cited by the submitters: PubMed 15845591 (cited by Labcorp Genetics (formerly Invitae), Labcorp); PubMed 23643382 (cited by Labcorp Genetics (formerly Invitae), Labcorp); PubMed 27502037 (cited by Labcorp Genetics (formerly Invitae), Labcorp); PubMed 30098700 (cited by Labcorp Genetics (formerly Invitae), Labcorp); PubMed 32666525 (cited by Labcorp Genetics (formerly Invitae), Labcorp).